The following is an entry in ClinVar:

NM_001378778.1(MPDZ):c.6098G>C (p.Arg2033Thr)

Gene: MPDZ (multiple PDZ domain crumbs cell polarity complex component; minus strand). Cytogenetic location: 9p23.
Variant type: single nucleotide variant.
Coding change: c.6098G>C on transcript NM_001378778.1 (MANE Select); coding-DNA position 6098, G replaced by C.
Protein change: p.Arg2033Thr; replaces arginine 2033 with threonine.
Molecular consequence: missense variant.
Genome position (GRCh38, 1-based): chr9:13,107,080, C>G on the plus strand (G>C on the coding strand, the complement: MPDZ is on the minus strand). VCF-style: chr9-13107080-C-G. GRCh37 (hg19) VCF-style: chr9-13107079-C-G.
Other names: c.5999G>C, p.Arg2000Thr (NM_001261406.2, NM_001375416.1, NM_001375417.1 and 1 more transcripts); c.5912G>C, p.Arg1971Thr (NM_001261407.2, NM_001375419.1); c.6098G>C, p.Arg2033Thr (NM_001330637.2); c.6197G>C, p.Arg2066Thr (NM_001375413.1); c.5888G>C, p.Arg1963Thr (NM_001375420.1, NM_001375421.1, NM_001375422.1 and 2 more transcripts); c.5801G>C, p.Arg1934Thr (NM_001375425.1, NM_001375426.1); c.5690G>C, p.Arg1897Thr (NM_001375427.1); c.6011G>C, p.Arg2004Thr (NM_003829.5); short protein forms R1897T, R2004T, R2033T, R1934T, R1963T, R2000T, R1971T, R2066T.
Identifiers: ClinVar variation 1391788 (VCV001391788.8), dbSNP rs1308010726, ClinGen allele CA372938483.

ClinVar aggregate classification (germline): Uncertain significance (1 of 4 stars; one submission).

Submission:

Labcorp Genetics (formerly Invitae), Labcorp
Classification: Uncertain significance. Last evaluated: 2021-04-29. Review status: criteria provided, single submitter. Criteria: Invitae Variant Classification Sherloc (09022015). Collection method: clinical testing. Allele origin: germline.
Comment: In summary, the available evidence is currently insufficient to determine the role of this variant in disease. Therefore, it has been classified as a Variant of Uncertain Significance. Algorithms developed to predict the effect of missense changes on protein structure and function are either unavailable or do not agree on the potential impact of this missense change (SIFT: "Deleterious"; PolyPhen-2: "Probably Damaging"; Align-GVGD: "Class C0"). This variant has not been reported in the literature in individuals with MPDZ-related conditions. This variant is not present in population databases (ExAC no frequency). This sequence change replaces arginine with threonine at codon 2004 of the MPDZ protein (p.Arg2004Thr). The arginine residue is highly conserved and there is a moderate physicochemical difference between arginine and threonine.